The following is an entry in ClinVar:

NM_007294.4(BRCA1):c.1639A>C (p.Asn547His)

Gene: BRCA1 (BRCA1 DNA repair associated; minus strand). Cytogenetic location: 17q21.31.
Variant type: single nucleotide variant.
Coding change: c.1639A>C on transcript NM_007294.4 (MANE Select); coding-DNA position 1639, A replaced by C.
Protein change: p.Asn547His; replaces asparagine 547 with histidine.
Molecular consequence: missense variant. On other transcripts: intron variant (137).
Genome position (GRCh38, 1-based): chr17:43,093,892, T>G on the plus strand (A>C on the coding strand, the complement: BRCA1 is on the minus strand). VCF-style: chr17-43093892-T-G. GRCh37 (hg19) VCF-style: chr17-41245909-T-G.
Other names: c.1561A>C, p.Asn521His (NM_001407655.1, NM_001407656.1, NM_001407657.1 and 4 more transcripts); c.1558A>C, p.Asn520His (NM_001407659.1, NM_001407660.1, NM_001407661.1 and 1 more transcripts); c.1513A>C, p.Asn505His (NM_001407671.1, NM_001407672.1, NM_001407673.1 and 11 more transcripts); c.1516A>C, p.Asn506His (NM_001407674.1, NM_001407675.1, NM_001407676.1 and 19 more transcripts); c.1498A>C, p.Asn500His (NM_001407692.1, NM_001407694.1, NM_001407695.1 and 29 more transcripts); c.1495A>C, p.Asn499His (NM_001407740.1, NM_001407741.1, NM_001407742.1 and 20 more transcripts); c.1438A>C, p.Asn480His (NM_001407862.1); c.1435A>C, p.Asn479His (NM_001407874.1, NM_001407875.1); and 40 more; short protein forms N547H, N500H, N419H, N479H, N506H, N520H, N544H, N546H.
Identifiers: ClinVar variation 409349 (VCV000409349.20), dbSNP rs1060502351, ClinGen allele CA10598760.

ClinVar aggregate classification (germline): Conflicting classifications of pathogenicity. Review status: criteria provided, conflicting classifications (1 of 4 stars). 6 submissions from 6 submitters: Uncertain significance (4); Likely benign (2). Last evaluated 2025-08-30.

Conditions:
Breast-ovarian cancer, familial, susceptibility to, 1 (BROVCA1). Also called: BRCA1 Hereditary Breast and Ovarian Cancer; OVARIAN CANCER, SUSCEPTIBILITY TO. Identifiers: Orphanet 145, MedGen C2676676, MONDO:0011450, OMIM 604370. Disease mechanism: loss of function.
Hereditary cancer-predisposing syndrome. Also called: Neoplastic Syndromes, Hereditary; Hereditary neoplastic syndrome; Hereditary Cancer Syndrome; Tumor predisposition. Identifiers: Orphanet 140162, MedGen C0027672, MeSH D009386, MONDO:0015356.
Hereditary breast ovarian cancer syndrome. Also called: Hereditary breast and ovarian cancer syndrome; Breast and ovarian cancer; Hereditary breast and ovarian cancer syndrome (HBOC); Hereditary breast and/or ovarian cancer syndrome; BRCA1- and BRCA2-Associated Hereditary Breast and Ovarian Cancer; Hereditary breast and ovarian cancer. Identifiers: Orphanet 145, MedGen C0677776, MeSH D061325, MONDO:0003582. Disease mechanism: loss of function.

Allele frequency attached by ClinVar (database versions not stated): TOPMed below 0.00001; gnomAD 0.00001.
gnomAD v4.1: 1 of 1,613,840 alleles (0.000062%); highest among the groups gnomAD compares: African/African-American, 0.0013%; no homozygotes.

Submissions (6):

Ambry Genetics
Classification: Uncertain significance for Hereditary cancer-predisposing syndrome. Last evaluated: 2025-08-30. Review status: criteria provided, single submitter. Criteria: Ambry Variant Classification Scheme 2023. Collection method: clinical testing. Allele origin: germline.
Comment: The p.N547H variant (also known as c.1639A>C), located in coding exon 9 of the BRCA1 gene, results from an A to C substitution at nucleotide position 1639. The asparagine at codon 547 is replaced by histidine, an amino acid with similar properties. This amino acid position is not well conserved in available vertebrate species. In addition, the in silico prediction for this alteration is inconclusive. Since supporting evidence is limited at this time, the clinical significance of this alteration remains unclear.

Labcorp Genetics (formerly Invitae), Labcorp
Classification: Uncertain significance for Hereditary breast ovarian cancer syndrome. Last evaluated: 2024-10-22. Review status: criteria provided, single submitter. Criteria: Invitae Variant Classification Sherloc (09022015). Collection method: clinical testing. Allele origin: germline.
Comment: This sequence change replaces asparagine, which is neutral and polar, with histidine, which is basic and polar, at codon 547 of the BRCA1 protein (p.Asn547His). This variant is not present in population databases (gnomAD no frequency). This variant has not been reported in the literature in individuals affected with BRCA1-related conditions. ClinVar contains an entry for this variant (Variation ID: 409349). Invitae Evidence Modeling of protein sequence and biophysical properties (such as structural, functional, and spatial information, amino acid conservation, physicochemical variation, residue mobility, and thermodynamic stability) indicates that this missense variant is not expected to disrupt BRCA1 protein function with a negative predictive value of 80%. In summary, the available evidence is currently insufficient to determine the role of this variant in disease. Therefore, it has been classified as a Variant of Uncertain Significance.

Myriad Genetics, Inc.
Classification: Likely benign for Breast-ovarian cancer, familial, susceptibility to, 1. Last evaluated: 2023-06-23. Review status: criteria provided, single submitter. Criteria: Myriad Autosomal Dominant, Autosomal Recessive and X-Linked Classification Criteria (2023). Collection method: clinical testing. Allele origin: unknown.
Comment: This variant is considered likely benign. This variant is strongly associated with less severe personal and family histories of cancer, typical for individuals without pathogenic variants in this gene [PMID: 25085752].

University of Washington Department of Laboratory Medicine, University of Washington
Classification: Likely benign for Hereditary cancer-predisposing syndrome. Last evaluated: 2023-03-23. Review status: criteria provided, single submitter. Criteria: Dines et al. (Genet Med. 2020). Collection method: curation. Allele origin: germline.
Comment: Missense variant in a coldspot region where missense variants are very unlikely to be pathogenic (PMID:31911673).

BRCA1 coldspot (exon 11 using historical exon numbering). Reclassification based on statistical prior probability

Quest Diagnostics Nichols Institute San Juan Capistrano
Classification: Uncertain significance. Last evaluated: 2018-04-06. Review status: criteria provided, single submitter. Criteria: Quest Diagnostics criteria. Collection method: clinical testing. Allele origin: germline.

Women's Health and Genetics/Laboratory Corporation of America, LabCorp
Classification: Uncertain significance. Last evaluated: 2016-01-14. Review status: criteria provided, single submitter. Criteria: LabCorp Variant Classification Summary - May 2015. Collection method: clinical testing. Allele origin: germline.

Literature cited by the submitters: PubMed 25085752 (cited by Myriad Genetics, Inc.).